The following is an entry in ClinVar:

ClinVar aggregate classification (germline): Pathogenic (1 of 4 stars; one submission).

Submission:

Labcorp Genetics (formerly Invitae), Labcorp
Classification: Pathogenic. Last evaluated: 2023-06-02. Review status: criteria provided, single submitter. Criteria: Invitae Variant Classification Sherloc (09022015). Collection method: clinical testing. Allele origin: germline.
Comment: This sequence change creates a premature translational stop signal (p.Gly1514Valfs*52) in the FRAS1 gene. It is expected to result in an absent or disrupted protein product. Loss-of-function variants in FRAS1 are known to be pathogenic (PMID: 12766769, 18671281). This variant is present in population databases (rs751780925, gnomAD 0.007%). This variant has not been reported in the literature in individuals affected with FRAS1-related conditions. For these reasons, this variant has been classified as Pathogenic.

Literature cited by the submitters: PubMed 12766769; PubMed 18671281.

NM_025074.7(FRAS1):c.4539del (p.Gly1514fs)

Gene: FRAS1 (Fraser extracellular matrix complex subunit 1; plus strand). Cytogenetic location: 4q21.21.
Variant type: Deletion.
Coding change: c.4539del on transcript NM_025074.7 (MANE Select); coding-DNA position 4539, one base deleted (A; older notation c.4539delA).
Protein change: p.Gly1514fs; shifts the reading frame from glycine 1514.
Molecular consequence: frameshift variant.
Genome position (GRCh38, 1-based): chr4:78,419,062, A deleted; the last of 2 consecutive A bases (chr4:78,419,061-78,419,062); deleting either gives the same sequence. VCF-style (leftmost placement, unchanged base first): chr4-78419060-CA-C. GRCh37 (hg19) VCF-style: chr4-79340214-CA-C.
Other names: c.4539del, p.Gly1514fs (NM_001166133.2); short protein forms G1514fs.
Identifiers: ClinVar variation 2795354 (VCV002795354.3), dbSNP rs751780925, ClinGen allele CA2977224.